The following is an entry in ClinVar:

NM_006158.5(NEFL):c.1597G>C (p.Ala533Pro)

Gene: NEFL (neurofilament light chain; minus strand). Cytogenetic location: 8p21.2.
Variant type: single nucleotide variant.
Coding change: c.1597G>C on transcript NM_006158.5 (MANE Select); coding-DNA position 1597, G replaced by C.
Protein change: p.Ala533Pro; replaces alanine 533 with proline.
Molecular consequence: missense variant.
Genome position (GRCh38, 1-based): chr8:24,952,845, C>G on the plus strand (G>C on the coding strand, the complement: NEFL is on the minus strand). VCF-style: chr8-24952845-C-G. GRCh37 (hg19) VCF-style: chr8-24810358-C-G.
Other names: short protein forms A533P.
Identifiers: ClinVar variation 1014315 (VCV001014315.5), dbSNP rs371037868, ClinGen allele CA4681221.

ClinVar aggregate classification (germline): Uncertain significance (1 of 4 stars; one submission).

Conditions:
Charcot-Marie-Tooth disease type 2E (CMT2E). Also called: CHARCOT-MARIE-TOOTH DISEASE, AXONAL, TYPE 2E; CHARCOT-MARIE-TOOTH NEUROPATHY, TYPE 2E. Identifiers: Orphanet 99939, MedGen C1843225, MONDO:0011894, OMIM 607684.

Allele frequency attached by ClinVar (database versions not stated): gnomAD 0.00003; gnomAD exomes 0.00004; ESP Exome Variant Server 0.00008; ExAC 0.00002; TOPMed 0.00002.
gnomAD v4.1: 25 of 1,612,616 alleles (0.0016%); highest among the groups gnomAD compares: Non-Finnish European, 0.00025%; no homozygotes.

Submission:

Labcorp Genetics (formerly Invitae), Labcorp
Classification: Uncertain significance for Charcot-Marie-Tooth disease type 2E. Last evaluated: 2024-06-09. Review status: criteria provided, single submitter. Criteria: Invitae Variant Classification Sherloc (09022015). Collection method: clinical testing. Allele origin: germline.
Comment: This sequence change replaces alanine, which is neutral and non-polar, with proline, which is neutral and non-polar, at codon 533 of the NEFL protein (p.Ala533Pro). This variant is present in population databases (rs371037868, gnomAD 0.08%). This variant has not been reported in the literature in individuals affected with NEFL-related conditions. ClinVar contains an entry for this variant (Variation ID: 1014315). Advanced modeling of protein sequence and biophysical properties (such as structural, functional, and spatial information, amino acid conservation, physicochemical variation, residue mobility, and thermodynamic stability) has been performed at Invitae for this missense variant, however the output from this modeling did not meet the statistical confidence thresholds required to predict the impact of this variant on NEFL protein function. In summary, the available evidence is currently insufficient to determine the role of this variant in disease. Therefore, it has been classified as a Variant of Uncertain Significance.